The following is an entry in ClinVar:

NM_012308.3(KDM2A):c.2328G>T (p.Lys776Asn)

Gene: KDM2A (lysine demethylase 2A; plus strand). Cytogenetic location: 11q13.2.
Variant type: single nucleotide variant.
Coding change: c.2328G>T on transcript NM_012308.3 (MANE Select); coding-DNA position 2328, G replaced by T.
Protein change: p.Lys776Asn; replaces lysine 776 with asparagine.
Molecular consequence: missense variant.
Genome position (GRCh38, 1-based): chr11:67,250,358, G>T. VCF-style: chr11-67250358-G-T. GRCh37 (hg19) VCF-style: chr11-67017829-G-T.
Other names: c.1011G>T, p.Lys337Asn (NM_001256405.2); short protein forms K337N, K776N.
Identifiers: ClinVar variation 3778795 (VCV003778795.1).

ClinVar aggregate classification (germline): Uncertain significance (1 of 4 stars; one submission).

Conditions:
KDM2A-related neurodevelopmental disorder.

Submission:

Institute of Human Genetics, University of Leipzig Medical Center
Classification: Uncertain significance for KDM2A-related neurodevelopmental disorder. Last evaluated: 2025-01-20. Review status: criteria provided, single submitter. Criteria: ACMG Guidelines, 2015. Collection method: research. Allele origin: de novo. Inheritance: Autosomal dominant inheritance. Affected: yes.
Comment: Criteria applied: PS2_MOD, PM2, PP2. Due to the de novo status of the variant in addition to a fitting clinical overlap to other individuals with the same condition, this variant is deemed causative despite being classified as uncertain.

Literature cited by the submitters: DOI 10.1101/2025.03.31.25324695.